The following is an entry in ClinVar:

NM_000138.5(FBN1):c.4036_4037insACATTTGAAGCTTCCTGCTGTATTGGTACATACAGCAGGAAGCT (p.Phe1346delinsTyrIleTer)

Gene: FBN1 (fibrillin 1; minus strand). Cytogenetic location: 15q21.1.
Variant type: Insertion.
Coding change: c.4036_4037insACATTTGAAGCTTCCTGCTGTATTGGTACATACAGCAGGAAGCT on transcript NM_000138.5 (MANE Select); coding-DNA positions 4036 to 4037, ACATTTGAAGCTTCCTGCTGTATTGGTACATACAGCAGGAAGCT inserted.
Protein change: p.Phe1346delinsTyrIleTer.
Molecular consequence: nonsense.
Genome position: GRCh38: chr15:48,474,593-48,474,594. GRCh37 (hg19): chr15:48,766,790-48,766,791.
Identifiers: ClinVar variation 817235 (VCV000817235.1), dbSNP rs1597554086, ClinGen allele CA915946000.

ClinVar aggregate classification (germline): Likely pathogenic (1 of 4 stars; one submission).

Submission:

GeneDx
Classification: Likely pathogenic. Last evaluated: 2018-09-07. Review status: criteria provided, single submitter. Criteria: GeneDx Variant Classification (06012015). Collection method: clinical testing. Allele origin: germline. Affected: yes.
Comment: Although the c.4036_4037ins44 pathogenic variant in the FBN1 gene has not been reported to our knowledge, this variant causes a shift in reading frame starting at codon phenylalanine 1346, changing it to a tyrosine, and creating a premature stop codon at position 3 of the new reading frame, denoted p.Phe1346TyrfsX3. This pathogenic variant is expected to result in either an abnormal, truncated protein product or loss of protein from this allele through nonsense-mediated mRNA decay. Other frameshift variants in the FBN1 gene have been reported in Human Gene Mutation Database in association with Marfan syndrome (Stenson et al., 2014), indicating that loss of function is a mechanism of disease for this gene. Furthermore, the c.4036_4037ins44 variant has not been observed in large population cohorts (Lek et al., 2016). In summary, c.4036_4037ins44 in the FBN1 gene is interpreted as a pathogenic variant.